The following is an entry in ClinVar:

NM_005188.4(CBL):c.2297A>T (p.Glu766Val)

Gene: CBL (Cbl proto-oncogene; plus strand). Cytogenetic location: 11q23.3.
Variant type: single nucleotide variant.
Coding change: c.2297A>T on transcript NM_005188.4 (MANE Select); coding-DNA position 2297, A replaced by T.
Protein change: p.Glu766Val; replaces glutamic acid 766 with valine.
Molecular consequence: missense variant.
Genome position (GRCh38, 1-based): chr11:119,298,403, A>T. VCF-style: chr11-119298403-A-T. GRCh37 (hg19) VCF-style: chr11-119169113-A-T.
Other names: short protein forms E766V.
Identifiers: ClinVar variation 4843619 (VCV004843619.1).

ClinVar aggregate classification (germline): Uncertain significance (1 of 4 stars; one submission).

Conditions:
Cardiovascular phenotype. Identifiers: MedGen CN230736.

Submission:

Ambry Genetics
Classification: Uncertain significance for Cardiovascular phenotype. Last evaluated: 2025-12-23. Review status: criteria provided, single submitter. Criteria: Ambry Variant Classification Scheme 2023. Collection method: clinical testing. Allele origin: germline.
Comment: The p.E766V variant (also known as c.2297A>T), located in coding exon 15 of the CBL gene, results from an A to T substitution at nucleotide position 2297. The glutamic acid at codon 766 is replaced by valine, an amino acid with dissimilar properties. This amino acid position is conserved. In addition, this alteration is predicted to be tolerated by in silico analysis. Based on the available evidence, the clinical significance of this variant remains unclear.